The following is an entry in ClinVar:

ClinVar aggregate classification (germline): Uncertain significance (1 of 4 stars; one submission).

Submission:

Labcorp Genetics (formerly Invitae), Labcorp
Classification: Uncertain significance. Last evaluated: 2021-08-29. Review status: criteria provided, single submitter. Criteria: Invitae Variant Classification Sherloc (09022015). Collection method: clinical testing. Allele origin: germline.
Comment: This variant, c.851_862del, results in the deletion of 4 amino acid(s) of the RHOBTB2 protein (p.Asp284_Cys287del), but otherwise preserves the integrity of the reading frame. This variant is not present in population databases (ExAC no frequency). This variant has not been reported in the literature in individuals affected with RHOBTB2-related conditions. Experimental studies and prediction algorithms are not available or were not evaluated, and the functional significance of this variant is currently unknown. In summary, the available evidence is currently insufficient to determine the role of this variant in disease. Therefore, it has been classified as a Variant of Uncertain Significance.

NM_015178.3(RHOBTB2):c.785_796del (p.Asp262_Cys265del)

Gene: RHOBTB2 (Rho related BTB domain containing 2; plus strand). Cytogenetic location: 8p21.3.
Variant type: Deletion.
Coding change: c.785_796del on transcript NM_015178.3 (MANE Select); coding-DNA positions 785 to 796, 12 bases deleted (ACCCGCTCTGCG).
Protein change: p.Asp262_Cys265del.
Molecular consequence: inframe deletion.
Genome position (GRCh38, 1-based): chr8:23,007,030-23,007,041, ACCCGCTCTGCG deleted; deleting any 12 consecutive bases within chr8:23,007,029-23,007,041 gives the same sequence; the c. name uses the placement nearest the transcript's 3' end. VCF-style (leftmost placement, unchanged base first): chr8-23007028-GGACCCGCTCTGC-G. GRCh37 (hg19) VCF-style: chr8-22864541-GGACCCGCTCTGC-G.
Other names: c.851_862del, p.Asp284_Cys287del (NM_001160036.2); c.806_817del, p.Asp269_Cys272del (NM_001160037.2); c.785_796del, p.Asp262_Cys265del (NM_001374791.1).
Identifiers: ClinVar variation 1413945 (VCV001413945.6), dbSNP rs2128804548, ClinGen allele CA2573142571.